The following is an entry in ClinVar:

ClinVar aggregate classification (germline): Uncertain significance (1 of 4 stars; one submission).

Submission:

Ambry Genetics
Classification: Uncertain significance. Last evaluated: 2026-01-04. Review status: criteria provided, single submitter. Criteria: Ambry Variant Classification Scheme 2023. Collection method: clinical testing. Allele origin: germline.
Comment: The p.S1142C variant (also known as c.3425C>G), located in coding exon 13 of the CDK12 gene, results from a C to G substitution at nucleotide position 3425. The serine at codon 1142 is replaced by cysteine, an amino acid with dissimilar properties. This amino acid position is conserved. In addition, this alteration is predicted to be tolerated by in silico analysis. Based on the available evidence, the clinical significance of this variant remains unclear.

NM_016507.4(CDK12):c.3425C>G (p.Ser1142Cys)

Gene: CDK12 (cyclin dependent kinase 12; plus strand). Cytogenetic location: 17q12.
Variant type: single nucleotide variant.
Coding change: c.3425C>G on transcript NM_016507.4 (MANE Select); coding-DNA position 3425, C replaced by G.
Protein change: p.Ser1142Cys; replaces serine 1142 with cysteine.
Molecular consequence: missense variant.
Genome position (GRCh38, 1-based): chr17:39,525,981, C>G. VCF-style: chr17-39525981-C-G. GRCh37 (hg19) VCF-style: chr17-37682234-C-G.
Other names: c.3425C>G, p.Ser1142Cys (NM_015083.4); short protein forms S1142C.
Identifiers: ClinVar variation 4841697 (VCV004841697.1).